The following is an entry in ClinVar:

NM_001366244.2(GOLGA2):c.1431G>A (p.Pro477=)

Gene: GOLGA2 (golgin A2; minus strand). Cytogenetic location: 9q34.11.
Variant type: single nucleotide variant.
Coding change: c.1431G>A on transcript NM_001366244.2 (MANE Select); coding-DNA position 1431, G replaced by A.
Protein change: p.Pro477=; no amino-acid change (proline 477 retained).
Molecular consequence: synonymous variant. On other transcripts: intron variant (3).
Genome position (GRCh38, 1-based): chr9:128,260,792, C>T on the plus strand (G>A on the coding strand, the complement: GOLGA2 is on the minus strand). VCF-style: chr9-128260792-C-T. GRCh37 (hg19) VCF-style: chr9-131023071-C-T.
Other names: c.1350G>A, p.Pro450= (NM_001366246.2, NM_004486.6); c.1416G>A, p.Pro472= (NM_001389695.2); c.1338G>A, p.Pro446= (NM_001389697.2); c.1311G>A, p.Pro437= (NM_001389699.2, NM_001389700.2); c.1269G>A, p.Pro423= (NM_001389701.2); c.1245G>A, p.Pro415= (NM_001389702.2); c.1230G>A, p.Pro410= (NM_001389703.2); c.957G>A, p.Pro319= (NM_001389705.2); and 3 more.
Identifiers: ClinVar variation 4820757 (VCV004820757.5).

ClinVar aggregate classification (germline): Likely benign. Review status: criteria provided, multiple submitters, no conflicts (2 of 4 stars). 2 submissions from 2 submitters: Likely benign (2). Last evaluated 2026-03-01.

gnomAD v4.1: 573 of 1,603,928 alleles (0.036%); highest among the groups gnomAD compares: African/African-American, 0.7%; 2 homozygotes.

Submissions (2):

CeGaT Center for Human Genetics Tuebingen
Classification: Likely benign. Last evaluated: 2026-03-01. Review status: criteria provided, single submitter. Criteria: CeGaT Center For Human Genetics Tuebingen Variant Classification Criteria Version 2. Collection method: clinical testing. Allele origin: germline. Affected: yes. Observed: 1 variant allele.
Comment: GOLGA2: BP4, BP7

Blueprint Genetics
Classification: Likely benign. Last evaluated: 2024-07-05. Review status: criteria provided, single submitter. Criteria: ACMG Guidelines, 2015. Collection method: clinical testing. Allele origin: germline.